The following is an entry in ClinVar:

NM_000059.4(BRCA2):c.92G>A (p.Trp31Ter)

Gene: BRCA2 (BRCA2 DNA repair associated; plus strand). Cytogenetic location: 13q13.1.
Variant type: single nucleotide variant.
Coding change: c.92G>A on transcript NM_000059.4 (MANE Select); coding-DNA position 92, G replaced by A.
Protein change: p.Trp31Ter; replaces tryptophan 31 with a stop codon.
Molecular consequence: nonsense.
Genome position (GRCh38, 1-based): chr13:32,319,101, G>A. VCF-style: chr13-32319101-G-A. GRCh37 (hg19) VCF-style: chr13-32893238-G-A.
Other names: short protein forms W31*.
Identifiers: ClinVar variation 52808 (VCV000052808.26), dbSNP rs397508045, ClinGen allele CA026096.

ClinVar aggregate classification (germline): Pathogenic. Review status: reviewed by expert panel (3 of 4 stars). 11 submissions from 11 submitters: Pathogenic (1). 10 of the submissions do not count toward it. Last evaluated 2016-09-08.

Conditions:
Familial pancreatic carcinoma. Identifiers: Orphanet 1333, MedGen C2931038, MONDO:0015278, OMIM 260350.
Hereditary cancer-predisposing syndrome. Also called: Hereditary Cancer Syndrome; Neoplastic Syndromes, Hereditary; Hereditary neoplastic syndrome; Tumor predisposition. Identifiers: Orphanet 140162, MedGen C0027672, MeSH D009386, MONDO:0015356.
Breast-ovarian cancer, familial, susceptibility to, 2 (BROVCA2). Also called: BRCA2 Hereditary Breast and Ovarian Cancer. Identifiers: Orphanet 145, MedGen C2675520, MONDO:0012933, OMIM 612555. Disease mechanism: loss of function.
Fanconi anemia complementation group D1. Also called: BRCA2-Related Fanconi Anemia. Identifiers: Orphanet 319462, MedGen C1838457, MONDO:0011584, OMIM 605724.
Medulloblastoma (MDB). Also called: MEDULLOBLASTOMA PREDISPOSITION SYNDROME; Medulloblastoma, somatic. Identifiers: Orphanet 616, MedGen C0025149, MeSH D008527, MONDO:0007959, OMIM 155255, HP:0002885.
Pancreatic cancer, susceptibility to, 2. Identifiers: Orphanet 1333, MedGen C3150546, MONDO:0013235, OMIM 613347.
Glioma susceptibility 3 (GLM3). Also called: Glioblastoma 3. Identifiers: Orphanet 182067, Orphanet 360, MedGen C2751641, MONDO:0013093, OMIM 613029.
Wilms tumor 1 (WT1). Also called: Wilms tumor, somatic. Identifiers: Orphanet 654, MedGen CN033288, MONDO:0008679, OMIM 194070.
Familial cancer of breast. Also called: hereditary breast carcinoma; BREAST CANCER, FAMILIAL; Hereditary breast cancer. Identifiers: Orphanet 227535, MedGen C0346153, MONDO:0016419, OMIM 114480. Disease mechanism: loss of function.
Prostate cancer. Also called: Malignant tumor of prostate. Identifiers: Orphanet 1331, MedGen C0376358, MONDO:0008315, HP:0012125.
Hereditary breast ovarian cancer syndrome. Also called: Hereditary breast and ovarian cancer syndrome; Breast and ovarian cancer; Hereditary breast and ovarian cancer syndrome (HBOC); BRCA1- and BRCA2-Associated Hereditary Breast and Ovarian Cancer; Hereditary breast and/or ovarian cancer syndrome; Hereditary breast and ovarian cancer. Identifiers: Orphanet 145, MedGen C0677776, MeSH D061325, MONDO:0003582. Disease mechanism: loss of function.

Allele frequency attached by ClinVar (database versions not stated): gnomAD exomes below 0.00001.
gnomAD v4.1: 3 of 1,612,072 alleles (0.00019%); highest among the groups gnomAD compares: South Asian, 0.0033%; no homozygotes.

Submissions (11):

Evidence-based Network for the Interpretation of Germline Mutant Alleles (ENIGMA)
Classification: Pathogenic for Breast-ovarian cancer, familial, susceptibility to, 2. Last evaluated: 2016-09-08. Review status: reviewed by expert panel. Criteria: ENIGMA BRCA1/2 Classification Criteria (2015). Collection method: curation. Allele origin: germline.
Comment: Variant allele predicted to encode a truncated non-functional protein.

Labcorp Genetics (formerly Invitae), Labcorp
Classification: Pathogenic for Hereditary breast ovarian cancer syndrome. Last evaluated: 2025-04-23. Review status: criteria provided, single submitter. Criteria: Invitae Variant Classification Sherloc (09022015). Collection method: clinical testing. Allele origin: germline. Not counted in ClinVar's aggregate classification.
Comment: This sequence change creates a premature translational stop signal (p.Trp31*) in the BRCA2 gene. It is expected to result in an absent or disrupted protein product. Loss-of-function variants in BRCA2 are known to be pathogenic (PMID: 20104584). This variant is present in population databases (rs397508045, gnomAD 0.003%). This premature translational stop signal has been observed in individual(s) with breast and/or ovarian cancer (PMID: 22776961, 26911350). This variant is also known as c.320G>A. ClinVar contains an entry for this variant (Variation ID: 52808). For these reasons, this variant has been classified as Pathogenic.

Ambry Genetics
Classification: Pathogenic for Hereditary cancer-predisposing syndrome. Last evaluated: 2024-06-10. Review status: criteria provided, single submitter. Criteria: Ambry Variant Classification Scheme 2023. Collection method: clinical testing. Allele origin: germline. Not counted in ClinVar's aggregate classification.
Comment: The p.W31* pathogenic mutation (also known as c.92G>A), located in coding exon 2 of the BRCA2 gene, results from a G to A substitution at nucleotide position 92. This changes the amino acid from a tryptophan to a stop codon within coding exon 2. This mutation has been reported in multiple individuals diagnosed with breast and/or ovarian cancer (Schrader KA et al. Obstet Gynecol, 2012 Aug;120:235-40; Mannan AU et al. J. Hum. Genet., 2016 Jun;61:515-22; Rebbeck TR et al. Hum. Mutat., 2018 05;39:593-620; Rashid MU et al, 2019 Sep;17:27). RNA studies have demonstrated that alteration results in partial skipping of coding exon 2 (exon 3 in the literature), which splices out this alteration and premature stop codon (Ambry internal data; Fraile-Bethencourt E et al J Pathol 2019 08;248(4):409-420; Tubeuf H et al. Cancer Res 2020 Sep;80(17):3593-3605); however skipping of coding exon 2 is expected to be deleterious (Caputo SM et al. Oncotarget 2018 Apr;9(25):17334-17348). Of note, this alteration is also designated as c.320G>A in published literature. In addition to the clinical data presented in the literature, this alteration is expected to result in loss of function by premature protein truncation or nonsense-mediated mRNA decay. As such, this alteration is interpreted as a disease-causing mutation.

Baylor Genetics
Classification: Pathogenic for Familial cancer of breast. Last evaluated: 2024-01-11. Review status: criteria provided, single submitter. Criteria: ACMG Guidelines, 2015. Collection method: clinical testing. Allele origin: unknown. Not counted in ClinVar's aggregate classification.

Revvity Omics, Revvity
Classification: Pathogenic. Last evaluated: 2022-10-01. Review status: criteria provided, single submitter. Criteria: ACMG Guidelines, 2015. Collection method: clinical testing. Allele origin: germline. Not counted in ClinVar's aggregate classification.

Department of Pathology and Laboratory Medicine, Sinai Health System
Classification: Pathogenic for Familial pancreatic carcinoma. Last evaluated: 2020-01-17. Review status: criteria provided, single submitter. Criteria: ACMG Guidelines, 2015. Collection method: clinical testing. Allele origin: germline. Affected: yes. Not counted in ClinVar's aggregate classification.

Color Diagnostics, LLC DBA Color Health
Classification: Pathogenic for Hereditary cancer-predisposing syndrome. Last evaluated: 2020-01-07. Review status: criteria provided, single submitter. Criteria: ACMG Guidelines, 2015. Collection method: clinical testing. Allele origin: germline. Not counted in ClinVar's aggregate classification.
Comment: This variant changes 1 nucleotide in exon 3 of the BRCA2 gene, creating a premature translation stop signal. This variant is expected to result in an absent or non-functional protein product. Splice site prediction tools suggest that this variant may not impact RNA splicing. To our knowledge, functional studies have not been performed for this variant. This variant has been reported in two individuals affected with breast cancer (PMID: 26911350 and doi: 10.5812/ijcm.60392) and another affected with ovarian cancer (PMID: 22776961). This variant has been identified in 1/250830 chromosomes in the general population by the Genome Aggregation Database (gnomAD). Loss of BRCA2 function is a known mechanism of disease. Based on the available evidence, this variant is classified as Pathogenic.

Fulgent Genetics
Classification: Pathogenic for Familial cancer of breast; Medulloblastoma; Familial prostate cancer; Wilms tumor 1; Fanconi anemia complementation group D1; Breast-ovarian cancer, familial, susceptibility to, 2; Glioma susceptibility 3; Pancreatic cancer, susceptibility to, 2. Last evaluated: 2018-10-31. Review status: criteria provided, single submitter. Criteria: ACMG Guidelines, 2015. Collection method: clinical testing. Allele origin: unknown. Not counted in ClinVar's aggregate classification.

Consortium of Investigators of Modifiers of BRCA1/2 (CIMBA), c/o University of Cambridge
Classification: Pathogenic for Breast-ovarian cancer, familial, susceptibility to, 2. Last evaluated: 2015-10-02. Review status: criteria provided, single submitter. Criteria: CIMBA Mutation Classification guidelines May 2016. Collection method: clinical testing. Allele origin: germline. Not counted in ClinVar's aggregate classification.

Molecular Endocrinology Laboratory, Christian Medical College
Classification: Pathogenic for Breast-ovarian cancer, familial, susceptibility to, 2. Review status: criteria provided, single submitter. Criteria: ACMG Guidelines, 2015. Collection method: clinical testing. Allele origin: germline. Affected: yes. Not counted in ClinVar's aggregate classification.

Research Molecular Genetics Laboratory, Women's College Hospital, University of Toronto
Classification: Pathogenic for Hereditary breast ovarian cancer syndrome. Last evaluated: 2014-01-31. Review status: no assertion criteria provided. Collection method: research. Allele origin: germline. Affected: yes. Study: The Canadian Open Genetics Repository (COGR). Not counted in ClinVar's aggregate classification.

Literature cited by the submitters: PubMed 20104584 (cited by Labcorp Genetics (formerly Invitae), Labcorp and Molecular Endocrinology Laboratory, Christian Medical College); PubMed 22776961 (cited by 3 submitters); PubMed 26911350 (cited by 3 submitters); PubMed 29446198 (cited by Ambry Genetics); PubMed 29707112 (cited by Ambry Genetics); PubMed 31528241 (cited by Ambry Genetics); PubMed 32641407 (cited by Ambry Genetics).